The following is an entry in ClinVar:

NM_004415.4(DSP):c.4571C>A (p.Thr1524Lys)

Gene: DSP (desmoplakin; plus strand). Cytogenetic location: 6p24.3.
Variant type: single nucleotide variant.
Coding change: c.4571C>A on transcript NM_004415.4 (MANE Select); coding-DNA position 4571, C replaced by A.
Protein change: p.Thr1524Lys; replaces threonine 1524 with lysine.
Molecular consequence: missense variant. On other transcripts: intron variant (2).
Genome position (GRCh38, 1-based): chr6:7,580,761, C>A. VCF-style: chr6-7580761-C-A. GRCh37 (hg19) VCF-style: chr6-7580994-C-A.
Other names: c.4050+521C>A (NM_001319034.2); c.3582+989C>A (NM_001008844.3); short protein forms T1524K.
Identifiers: ClinVar variation 927468 (VCV000927468.14), dbSNP rs397516941, ClinGen allele CA133969953.

ClinVar aggregate classification (germline): Uncertain significance. Review status: criteria provided, multiple submitters, no conflicts (2 of 4 stars). 3 submissions from 3 submitters: Uncertain significance (3). Last evaluated 2023-12-27.

Conditions:
Cardiovascular phenotype. Identifiers: MedGen CN230736.
Cardiomyopathy (CMYO). Also called: Cardiomyopathies. Identifiers: Orphanet 167848, MedGen C0878544, MONDO:0004994, HP:0001638. Inheritance: Various modes of inheritance.
Arrhythmogenic cardiomyopathy with wooly hair and keratoderma. Also called: PALMOPLANTAR KERATODERMA WITH LEFT VENTRICULAR CARDIOMYOPATHY AND WOOLLY HAIR; Carvajal syndrome; Dilated cardiomyopathy with woolly hair and keratoderma; Arrhythmogenic cardiomyopathy with woolly hair and keratoderma. Identifiers: Orphanet 65282, MedGen C1854063, MONDO:0011581, OMIM 605676.
Arrhythmogenic right ventricular dysplasia 8 (ARVD8). Also called: ARRHYTHMOGENIC RIGHT VENTRICULAR DYSPLASIA, FAMILIAL, 8; Arrhythmogenic Right Ventricular Dysplasia/Cardiomyopathy 8; ARRHYTHMOGENIC RIGHT VENTRICULAR CARDIOMYOPATHY 8. Identifiers: MedGen C1843896, MONDO:0011831, OMIM 607450.

gnomAD v4.1: 1 of 1,614,052 alleles (0.000062%); highest among the groups gnomAD compares: African/African-American, 0.0013%; no homozygotes.

Submissions (3):

Ambry Genetics
Classification: Uncertain significance for Cardiovascular phenotype. Last evaluated: 2023-12-27. Review status: criteria provided, single submitter. Criteria: Ambry Variant Classification Scheme 2023. Collection method: clinical testing. Allele origin: germline.

Color Diagnostics, LLC DBA Color Health
Classification: Uncertain significance for Cardiomyopathy. Last evaluated: 2023-12-04. Review status: criteria provided, single submitter. Criteria: ACMG Guidelines, 2015. Collection method: clinical testing. Allele origin: germline.
Comment: Variant of Uncertain Significance due to insufficient evidence: This missense variant replaces threonine with lysine at codon 1524 of the DSP protein. Computational prediction tools and conservation analyses are inconclusive regarding the impact of this variant on the protein function. Computational splicing tools suggest that this variant may not impact RNA splicing. To our knowledge, functional assays have not been performed for this variant nor has this variant been reported in individuals affected with cardiovascular disorders in the literature. This variant is rare in the general population and has been identified in 0/277264 chromosomes by the Genome Aggregation Database (gnomAD). Available evidence is insufficient to determine the role of this variant in disease conclusively.

Labcorp Genetics (formerly Invitae), Labcorp
Classification: Uncertain significance for Arrhythmogenic cardiomyopathy with wooly hair and keratoderma; Arrhythmogenic right ventricular dysplasia 8. Last evaluated: 2023-07-17. Review status: criteria provided, single submitter. Criteria: Invitae Variant Classification Sherloc (09022015). Collection method: clinical testing. Allele origin: germline.
Comment: ClinVar contains an entry for this variant (Variation ID: 927468). An algorithm developed to predict the effect of missense changes on protein structure and function (PolyPhen-2) suggests that this variant is likely to be tolerated. In summary, the available evidence is currently insufficient to determine the role of this variant in disease. Therefore, it has been classified as a Variant of Uncertain Significance. This variant has not been reported in the literature in individuals affected with DSP-related conditions. This variant is not present in population databases (gnomAD no frequency). This sequence change replaces threonine, which is neutral and polar, with lysine, which is basic and polar, at codon 1524 of the DSP protein (p.Thr1524Lys).